The following is an entry in ClinVar:

NM_001378454.1(ALMS1):c.1754A>C (p.Tyr585Ser)

Gene: ALMS1 (ALMS1 centrosome and basal body associated protein; plus strand). Cytogenetic location: 2p13.1.
Variant type: single nucleotide variant.
Coding change: c.1754A>C on transcript NM_001378454.1 (MANE Select); coding-DNA position 1754, A replaced by C.
Protein change: p.Tyr585Ser; replaces tyrosine 585 with serine.
Molecular consequence: missense variant.
Genome position (GRCh38, 1-based): chr2:73,448,281, A>C. VCF-style: chr2-73448281-A-C. GRCh37 (hg19) VCF-style: chr2-73675408-A-C.
Other names: c.1757A>C, p.Tyr586Ser (NM_015120.4); short protein forms Y585S, Y586S.
Identifiers: ClinVar variation 2062146 (VCV002062146.2), dbSNP rs749303703, ClinGen allele CA347265307.
Genomic context (GRCh38, chr2:73,448,281, plus strand): 5'-CTGCAACACCAACAGTACTCTCTAGTTCCCACTCACATAGGGGGAAGCCCAGCATTTTCT[A>C]CCAGCAGGGCTTGCCAGACAGTCATCTAACTGAAGAGGCTTTGAAAGTTTCAGCTGCTCC-3'
Protein context (NP_001365383.1, residues 575-595): HSHRGKPSIF[Tyr585Ser]QQGLPDSHLT

ClinVar aggregate classification (germline): Uncertain significance. Review status: criteria provided, multiple submitters, no conflicts (2 of 4 stars). 2 submissions from 2 submitters: Uncertain significance (2). Last evaluated 2025-05-27.

Conditions:
Alstrom syndrome (ALMS). Identifiers: Orphanet 64, MedGen C0268425, MONDO:0008763, OMIM 203800.
Cardiovascular phenotype. Identifiers: MedGen CN230736.

Allele frequency attached by ClinVar (database versions not stated): TOPMed below 0.00001.

Submissions (2):

Ambry Genetics
Classification: Uncertain significance for Cardiovascular phenotype. Last evaluated: 2025-05-27. Review status: criteria provided, single submitter. Criteria: Ambry Variant Classification Scheme 2023. Collection method: clinical testing. Allele origin: germline.
Comment: The p.Y586S variant (also known as c.1757A>C), located in coding exon 8 of the ALMS1 gene, results from an A to C substitution at nucleotide position 1757. The tyrosine at codon 586 is replaced by serine, an amino acid with dissimilar properties. This amino acid position is not well conserved in available vertebrate species. In addition, this alteration is predicted to be tolerated by in silico analysis. Based on the available evidence, the clinical significance of this variant remains unclear.

Labcorp Genetics (formerly Invitae), Labcorp
Classification: Uncertain significance for Alstrom syndrome. Last evaluated: 2022-04-21. Review status: criteria provided, single submitter. Criteria: Invitae Variant Classification Sherloc (09022015). Collection method: clinical testing. Allele origin: germline.
Comment: This sequence change replaces tyrosine, which is neutral and polar, with serine, which is neutral and polar, at codon 586 of the ALMS1 protein (p.Tyr586Ser). This variant is not present in population databases (gnomAD no frequency). This variant has not been reported in the literature in individuals affected with ALMS1-related conditions. Experimental studies and prediction algorithms are not available or were not evaluated, and the functional significance of this variant is currently unknown. In summary, the available evidence is currently insufficient to determine the role of this variant in disease. Therefore, it has been classified as a Variant of Uncertain Significance.